The following is an entry in ClinVar:

NM_004795.4(KL):c.2041G>A (p.Val681Ile)

Gene: KL (klotho; plus strand). Cytogenetic location: 13q13.1.
Variant type: single nucleotide variant.
Coding change: c.2041G>A on transcript NM_004795.4 (MANE Select); coding-DNA position 2041, G replaced by A.
Protein change: p.Val681Ile; replaces valine 681 with isoleucine.
Molecular consequence: missense variant.
Genome position (GRCh38, 1-based): chr13:33,061,120, G>A. VCF-style: chr13-33061120-G-A. GRCh37 (hg19) VCF-style: chr13-33635257-G-A.
Other names: c.2041G>A (NM_004795.3); short protein forms V681I.
Identifiers: ClinVar variation 1938762 (VCV001938762.6), dbSNP rs757477654, ClinGen allele CA6944235.
Genomic context (GRCh38, chr13:33,061,120, plus strand): 5'-TACACTGCCCTGGCCTTTGCAGAGTATGCCCGACTGTGCTTTCAAGAGCTCGGCCATCAC[G>A]TCAAGCTTTGGATAACGATGAATGAGCCGTATACAAGGAATATGACATACAGTGCTGGCC-3'
Protein context (NP_004786.2, residues 671-691): RLCFQELGHH[Val681Ile]KLWITMNEPY

ClinVar aggregate classification (germline): Uncertain significance. Review status: criteria provided, multiple submitters, no conflicts (2 of 4 stars). 2 submissions from 2 submitters: Uncertain significance (2). Last evaluated 2025-10-02.

Allele frequency attached by ClinVar (database versions not stated): ExAC 0.00005; gnomAD 0.00005.
gnomAD v4.1: 55 of 1,614,004 alleles (0.0034%); highest among the groups gnomAD compares: African/African-American, 0.0053%; no homozygotes.

Submissions (2):

Labcorp Genetics (formerly Invitae), Labcorp
Classification: Uncertain significance. Last evaluated: 2025-10-02. Review status: criteria provided, single submitter. Criteria: Invitae Variant Classification Sherloc (09022015). Collection method: clinical testing. Allele origin: germline.
Comment: This sequence change replaces valine, which is neutral and non-polar, with isoleucine, which is neutral and non-polar, at codon 681 of the KL protein (p.Val681Ile). This variant is present in population databases (rs757477654, gnomAD 0.007%). This variant has not been reported in the literature in individuals affected with KL-related conditions. ClinVar contains an entry for this variant (Variation ID: 1938762). Invitae Evidence Modeling of protein sequence and biophysical properties (such as structural, functional, and spatial information, amino acid conservation, physicochemical variation, residue mobility, and thermodynamic stability) indicates that this missense variant is not expected to disrupt KL protein function with a negative predictive value of 80%. In summary, the available evidence is currently insufficient to determine the role of this variant in disease. Therefore, it has been classified as a Variant of Uncertain Significance.

Ambry Genetics
Classification: Uncertain significance. Last evaluated: 2025-08-13. Review status: criteria provided, single submitter. Criteria: Ambry Variant Classification Scheme 2023. Collection method: clinical testing. Allele origin: germline.